The following is an entry in ClinVar:

NM_001164508.2(NEB):c.8422G>T (p.Ala2808Ser)

Gene: NEB (nebulin; minus strand). Cytogenetic location: 2q23.3.
Variant type: single nucleotide variant.
Coding change: c.8422G>T on transcript NM_001164508.2 (MANE Select); coding-DNA position 8422, G replaced by T.
Protein change: p.Ala2808Ser; replaces alanine 2808 with serine.
Molecular consequence: missense variant.
Genome position (GRCh38, 1-based): chr2:151,640,618, C>A on the plus strand (G>T on the coding strand, the complement: NEB is on the minus strand). VCF-style: chr2-151640618-C-A. GRCh37 (hg19) VCF-style: chr2-152497132-C-A.
Other names: c.8422G>T, p.Ala2808Ser (NM_001164507.2, NM_001271208.2, NM_004543.5); short protein forms A2808S.
Identifiers: ClinVar variation 2006684 (VCV002006684.4), dbSNP rs774075079, ClinGen allele CA348811584.

ClinVar aggregate classification (germline): Uncertain significance. Review status: criteria provided, multiple submitters, no conflicts (2 of 4 stars). 2 submissions from 2 submitters: Uncertain significance (2). Last evaluated 2022-09-13.

Conditions:
Nemaline myopathy 2 (NEM2). Also called: Nemaline myopathy 2, autosomal recessive. Identifiers: MedGen C1850569, MONDO:0009725, OMIM 256030.

Submissions (2):

Revvity Omics, Revvity
Classification: Uncertain significance. Last evaluated: 2022-09-13. Review status: criteria provided, single submitter. Criteria: ACMG Guidelines, 2015. Collection method: clinical testing. Allele origin: germline.

Labcorp Genetics (formerly Invitae), Labcorp
Classification: Uncertain significance for Nemaline myopathy 2. Last evaluated: 2022-06-14. Review status: criteria provided, single submitter. Criteria: Invitae Variant Classification Sherloc (09022015). Collection method: clinical testing. Allele origin: germline.
Comment: This sequence change replaces alanine, which is neutral and non-polar, with serine, which is neutral and polar, at codon 2808 of the NEB protein (p.Ala2808Ser). This variant is not present in population databases (gnomAD no frequency). This variant has not been reported in the literature in individuals affected with NEB-related conditions. Algorithms developed to predict the effect of missense changes on protein structure and function are either unavailable or do not agree on the potential impact of this missense change (SIFT: "Deleterious"; PolyPhen-2: "Not Available"; Align-GVGD: "Class C0"). In summary, the available evidence is currently insufficient to determine the role of this variant in disease. Therefore, it has been classified as a Variant of Uncertain Significance.